The following is an entry in ClinVar:

NM_080680.3(COL11A2):c.3535C>T (p.Pro1179Ser)

Gene: COL11A2 (collagen type XI alpha 2 chain; minus strand). Cytogenetic location: 6p21.32.
Variant type: single nucleotide variant.
Coding change: c.3535C>T on transcript NM_080680.3 (MANE Select); coding-DNA position 3535, C replaced by T.
Protein change: p.Pro1179Ser; replaces proline 1179 with serine.
Molecular consequence: missense variant.
Genome position (GRCh38, 1-based): chr6:33,170,373, G>A on the plus strand (C>T on the coding strand, the complement: COL11A2 is on the minus strand). VCF-style: chr6-33170373-G-A. GRCh37 (hg19) VCF-style: chr6-33138150-G-A.
Other names: c.3214C>T, p.Pro1072Ser (NM_080679.3); c.3277C>T, p.Pro1093Ser (NM_080681.3); short protein forms P1072S, P1093S, P1179S.
Identifiers: ClinVar variation 1346357 (VCV001346357.6), dbSNP rs2150539654, ClinGen allele CA363629871.

ClinVar aggregate classification (germline): Uncertain significance (1 of 4 stars; one submission).

gnomAD v4.1: 2 of 1,613,100 alleles (0.00012%); highest among the groups gnomAD compares: African/African-American, 0.0013%; no homozygotes.

Submission:

Labcorp Genetics (formerly Invitae), Labcorp
Classification: Uncertain significance. Last evaluated: 2022-11-08. Review status: criteria provided, single submitter. Criteria: Invitae Variant Classification Sherloc (09022015). Collection method: clinical testing. Allele origin: germline.
Comment: In summary, the available evidence is currently insufficient to determine the role of this variant in disease. Therefore, it has been classified as a Variant of Uncertain Significance. Advanced modeling of protein sequence and biophysical properties (such as structural, functional, and spatial information, amino acid conservation, physicochemical variation, residue mobility, and thermodynamic stability) performed at Invitae indicates that this missense variant is not expected to disrupt COL11A2 protein function. ClinVar contains an entry for this variant (Variation ID: 1346357). This variant has not been reported in the literature in individuals affected with COL11A2-related conditions. This variant is not present in population databases (gnomAD no frequency). This sequence change replaces proline, which is neutral and non-polar, with serine, which is neutral and polar, at codon 1179 of the COL11A2 protein (p.Pro1179Ser).